The following is an entry in ClinVar:

NM_001193315.2(VIPAS39):c.884C>T (p.Thr295Met)

Gene: VIPAS39 (VPS33B interacting protein, apical-basolateral polarity regulator, spe-39 homolog; minus strand). Cytogenetic location: 14q24.3.
Variant type: single nucleotide variant.
Coding change: c.884C>T on transcript NM_001193315.2 (MANE Select); coding-DNA position 884, C replaced by T.
Protein change: p.Thr295Met; replaces threonine 295 with methionine.
Molecular consequence: missense variant.
Genome position (GRCh38, 1-based): chr14:77,435,872, G>A on the plus strand (C>T on the coding strand, the complement: VIPAS39 is on the minus strand). VCF-style: chr14-77435872-G-A. GRCh37 (hg19) VCF-style: chr14-77902215-G-A.
Other names: c.884C>T, p.Thr295Met (NM_001193314.2, NM_001193317.2, NM_022067.4); c.737C>T, p.Thr246Met (NM_001193316.2); c.884C>T (NM_001193314.1); short protein forms T295M, T246M.
Identifiers: ClinVar variation 593412 (VCV000593412.10), dbSNP rs371894407, ClinGen allele CA7287918.

ClinVar aggregate classification (germline): Uncertain significance. Review status: criteria provided, multiple submitters, no conflicts (2 of 4 stars). 3 submissions from 3 submitters: Uncertain significance (3). Last evaluated 2022-11-07.

Conditions:
Inborn genetic diseases. Identifiers: MedGen C0950123, MeSH D030342.

Allele frequency attached by ClinVar (database versions not stated): gnomAD 0.00002; TOPMed 0.00003.
gnomAD v4.1: 63 of 1,614,024 alleles (0.0039%); highest among the groups gnomAD compares: Non-Finnish European, 0.005%; no homozygotes.

Submissions (3):

Ambry Genetics
Classification: Uncertain significance for Inborn genetic diseases. Last evaluated: 2022-11-07. Review status: criteria provided, single submitter. Criteria: Ambry Variant Classification Scheme 2023. Collection method: clinical testing. Allele origin: germline.

Labcorp Genetics (formerly Invitae), Labcorp
Classification: Uncertain significance. Last evaluated: 2022-10-14. Review status: criteria provided, single submitter. Criteria: Invitae Variant Classification Sherloc (09022015). Collection method: clinical testing. Allele origin: germline.
Comment: This sequence change replaces threonine, which is neutral and polar, with methionine, which is neutral and non-polar, at codon 295 of the VIPAS39 protein (p.Thr295Met). This variant is present in population databases (rs371894407, gnomAD 0.007%). This variant has not been reported in the literature in individuals affected with VIPAS39-related conditions. ClinVar contains an entry for this variant (Variation ID: 593412). Advanced modeling of protein sequence and biophysical properties (such as structural, functional, and spatial information, amino acid conservation, physicochemical variation, residue mobility, and thermodynamic stability) performed at Invitae indicates that this missense variant is not expected to disrupt VIPAS39 protein function. In summary, the available evidence is currently insufficient to determine the role of this variant in disease. Therefore, it has been classified as a Variant of Uncertain Significance.

Eurofins Ntd Llc (ga)
Classification: Uncertain significance. Last evaluated: 2017-07-24. Review status: criteria provided, single submitter. Criteria: EGL Classification Definitions 2015. Collection method: clinical testing. Allele origin: germline. Observed: 1 variant allele, 1 heterozygote.